The following is an entry in ClinVar:

ClinVar aggregate classification (germline): Likely pathogenic (1 of 4 stars; one submission).

Conditions:
Intellectual developmental disorder, autosomal dominant 30, with speech delay and behavioral abnormalities. Also called: Intellectual disability, autosomal dominant 30. Identifiers: Orphanet 436151, MedGen C4015167, MONDO:0014486, OMIM 616083.

Submission:

Institute of Human Genetics, University of Leipzig Medical Center
Classification: Likely pathogenic for Intellectual developmental disorder, autosomal dominant 30, with speech delay and behavioral abnormalities. Last evaluated: 2025-11-14. Review status: criteria provided, single submitter. Criteria: ACMG Guidelines, 2015. Collection method: clinical testing. Allele origin: unknown. Inheritance: Autosomal dominant inheritance. Affected: yes.
Comment: Criteria applied: PM2,PM5,PP2,PP3

NM_001370100.5(ZMYND11):c.1793G>A (p.Cys598Tyr)

Gene: ZMYND11 (zinc finger MYND-type containing 11; plus strand). Cytogenetic location: 10p15.3.
Variant type: single nucleotide variant.
Coding change: c.1793G>A on transcript NM_001370100.5 (MANE Select); coding-DNA position 1793, G replaced by A.
Protein change: p.Cys598Tyr; replaces cysteine 598 with tyrosine.
Molecular consequence: missense variant. On other transcripts: non-coding transcript variant (1).
Genome position (GRCh38, 1-based): chr10:252,454, G>A. VCF-style: chr10-252454-G-A. GRCh37 (hg19) VCF-style: chr10-298394-G-A.
Other names: c.1631G>A, p.Cys544Tyr (NM_001370109.2, NM_001202464.3, NM_001370103.2 and 5 more transcripts); c.1538G>A, p.Cys513Tyr (NM_001370110.2, NM_001202465.3); c.1628G>A, p.Cys543Tyr (NM_001370111.2, NM_001202466.3); c.1742G>A, p.Cys581Tyr (NM_001370112.2, NM_001330057.3); c.1700G>A, p.Cys567Tyr (NM_001370113.2, NM_001370114.2); c.1790G>A, p.Cys597Tyr (NM_001370115.2); c.1727G>A, p.Cys576Tyr (NM_001370116.2); c.1724G>A, p.Cys575Tyr (NM_001370117.2); and 8 more; short protein forms C441Y, C479Y, C496Y, C504Y, C513Y, C522Y, C543Y, C544Y.
Identifiers: ClinVar variation 4533308 (VCV004533308.1).